The following is an entry in ClinVar:

ClinVar aggregate classification (germline): Uncertain significance. Review status: criteria provided, multiple submitters, no conflicts (2 of 4 stars). 3 submissions from 3 submitters: Uncertain significance (3). Last evaluated 2025-05-20.

Conditions:
Tumoral calcinosis, hyperphosphatemic, familial, 3. Identifiers: MedGen C4693864, MONDO:0060715, OMIM 617994.

Allele frequency attached by ClinVar (database versions not stated): gnomAD exomes 0.00001 and 0.00002; ExAC 0.00002; gnomAD 0.00002; TOPMed 0.00003; ESP Exome Variant Server 0.00008.
gnomAD v4.1: 20 of 1,614,114 alleles (0.0012%); highest among the groups gnomAD compares: Middle Eastern, 0.016%; no homozygotes.

Submissions (3):

Labcorp Genetics (formerly Invitae), Labcorp
Classification: Uncertain significance. Last evaluated: 2025-05-20. Review status: criteria provided, single submitter. Criteria: Invitae Variant Classification Sherloc (09022015). Collection method: clinical testing. Allele origin: germline.
Comment: This sequence change replaces arginine, which is basic and polar, with cysteine, which is neutral and slightly polar, at codon 594 of the KL protein (p.Arg594Cys). This variant is present in population databases (rs138511256, gnomAD 0.007%). This variant has not been reported in the literature in individuals affected with KL-related conditions. ClinVar contains an entry for this variant (Variation ID: 311699). Invitae Evidence Modeling of protein sequence and biophysical properties (such as structural, functional, and spatial information, amino acid conservation, physicochemical variation, residue mobility, and thermodynamic stability) indicates that this missense variant is not expected to disrupt KL protein function with a negative predictive value of 80%. In summary, the available evidence is currently insufficient to determine the role of this variant in disease. Therefore, it has been classified as a Variant of Uncertain Significance.

Fulgent Genetics
Classification: Uncertain significance for Tumoral calcinosis, hyperphosphatemic, familial, 3. Last evaluated: 2021-08-16. Review status: criteria provided, single submitter. Criteria: ACMG Guidelines, 2015. Collection method: clinical testing. Allele origin: unknown.

Illumina Laboratory Services, Illumina
Classification: Uncertain significance for Tumoral calcinosis, hyperphosphatemic, familial, 3. Last evaluated: 2018-01-13. Review status: criteria provided, single submitter. Criteria: ICSL Variant Classification Criteria 13 December 2019. Collection method: clinical testing. Allele origin: germline.

NM_004795.4(KL):c.1780C>T (p.Arg594Cys)

Gene: KL (klotho; plus strand). Cytogenetic location: 13q13.1.
Variant type: single nucleotide variant.
Coding change: c.1780C>T on transcript NM_004795.4 (MANE Select); coding-DNA position 1780, C replaced by T.
Protein change: p.Arg594Cys; replaces arginine 594 with cysteine.
Molecular consequence: missense variant.
Genome position (GRCh38, 1-based): chr13:33,060,859, C>T. VCF-style: chr13-33060859-C-T. GRCh37 (hg19) VCF-style: chr13-33634996-C-T.
Other names: short protein forms R594C.
Identifiers: ClinVar variation 311699 (VCV000311699.10), dbSNP rs138511256, ClinGen allele CA6944181.